The following is an entry in ClinVar:

ClinVar aggregate classification (germline): Likely benign (1 of 4 stars; one submission).

Allele frequency attached by ClinVar (database versions not stated): gnomAD exomes 0.00002; ExAC 0.00003; gnomAD 0.00003; TOPMed 0.00003.
gnomAD v4.1: 32 of 1,614,076 alleles (0.002%); highest among the groups gnomAD compares: Middle Eastern, 0.016%; no homozygotes.

Submission:

Laboratory for Molecular Medicine, Mass General Brigham Personalized Medicine
Classification: Likely benign. Last evaluated: 2017-08-25. Review status: criteria provided, single submitter. Criteria: LMM Criteria. Collection method: clinical testing. Allele origin: germline. Observed: 1 variant allele.
Comment: p.Asp1097Asp in exon 10 of TECTA: This variant is not expected to have clinical significance because it does not alter an amino acid residue and is not located within the splice consensus sequence. It has been identified in 2/34418 Latino c hromosomes by the Genome Aggregation Database (gnomAD; dbSNP rs763928462).

NM_005422.4(TECTA):c.3291C>T (p.Asp1097=)

Genes: TBCEL-TECTA (TBCEL-TECTA readthrough; plus strand), TECTA (tectorin alpha; plus strand). Cytogenetic location: 11q23.3.
Variant type: single nucleotide variant.
Coding change: c.3291C>T on transcript NM_005422.4 (MANE Select); coding-DNA position 3291, C replaced by T.
Protein change: p.Asp1097=; no amino-acid change (aspartic acid 1097 retained).
Molecular consequence: synonymous variant.
Genome position (GRCh38, 1-based): chr11:121,137,770, C>T. VCF-style: chr11-121137770-C-T. GRCh37 (hg19) VCF-style: chr11-121008479-C-T.
Other names: c.4248C>T, p.Asp1416= (NM_001378761.1).
Identifiers: ClinVar variation 506006 (VCV000506006.5), dbSNP rs763928462, ClinGen allele CA6327183.